The following is an entry in ClinVar:

ClinVar aggregate classification (germline): Uncertain significance (1 of 4 stars; one submission).

Conditions:
Hereditary cancer-predisposing syndrome. Also called: Tumor predisposition; Neoplastic Syndromes, Hereditary; Hereditary neoplastic syndrome; Hereditary Cancer Syndrome. Identifiers: Orphanet 140162, MedGen C0027672, MeSH D009386, MONDO:0015356.

Submission:

Ambry Genetics
Classification: Uncertain significance for Hereditary cancer-predisposing syndrome. Last evaluated: 2025-08-27. Review status: criteria provided, single submitter. Criteria: Ambry Variant Classification Scheme 2023. Collection method: clinical testing. Allele origin: germline.
Comment: The p.A382P variant (also known as c.1144G>C), located in coding exon 12 of the MUTYH gene, results from a G to C substitution at nucleotide position 1144. The alanine at codon 382 is replaced by proline, an amino acid with highly similar properties. This amino acid position is conserved. In addition, the in silico prediction for this alteration is inconclusive. Based on the available evidence, the clinical significance of this variant remains unclear.

NM_001048174.2(MUTYH):c.1060G>C (p.Ala354Pro)

Gene: MUTYH (mutY DNA glycosylase; minus strand). Cytogenetic location: 1p34.1.
Variant type: single nucleotide variant.
Coding change: c.1060G>C on transcript NM_001048174.2 (MANE Select); coding-DNA position 1060, G replaced by C.
Protein change: p.Ala354Pro; replaces alanine 354 with proline.
Molecular consequence: missense variant. On other transcripts: non-coding transcript variant (7).
Genome position (GRCh38, 1-based): chr1:45,331,703, C>G on the plus strand (G>C on the coding strand, the complement: MUTYH is on the minus strand). VCF-style: chr1-45331703-C-G. GRCh37 (hg19) VCF-style: chr1-45797375-C-G.
Other names: c.1060G>C, p.Ala354Pro (NM_001048171.2, NM_001048173.2, NM_001407070.1 and 6 more transcripts); c.1063G>C, p.Ala355Pro (NM_001048172.2, NM_001407071.1, NM_001407078.1 and 1 more transcripts); c.976G>C, p.Ala326Pro (NM_001407075.1); c.1093G>C, p.Ala365Pro (NM_001407077.1, NM_001293191.2, NM_001407069.1); c.1021G>C, p.Ala341Pro (NM_001407079.1); c.1018G>C, p.Ala340Pro (NM_001407080.1); c.1144G>C, p.Ala382Pro (NM_001128425.2); c.1105G>C, p.Ala369Pro (NM_001293190.2); and 5 more; short protein forms A262P, A382P, A340P, A354P, A355P, A365P, A239P, A369P.
Identifiers: ClinVar variation 4113049 (VCV004113049.1).